The following is an entry in ClinVar:

ClinVar aggregate classification (germline): Likely pathogenic (1 of 4 stars; one submission).

Conditions:
Primary ciliary dyskinesia. Also called: Ciliary dyskinesia. Identifiers: Orphanet 244, MedGen C0008780, MONDO:0016575, HP:0012265.

gnomAD v4.1: 11 of 1,603,486 alleles (0.00069%); highest among the groups gnomAD compares: Non-Finnish European, 0.00085%; no homozygotes.

Submission:

Labcorp Genetics (formerly Invitae), Labcorp
Classification: Likely pathogenic for Primary ciliary dyskinesia. Last evaluated: 2025-03-22. Review status: criteria provided, single submitter. Criteria: Invitae Variant Classification Sherloc (09022015). Collection method: clinical testing. Allele origin: germline.
Comment: This sequence change affects an acceptor splice site in intron 40 of the DNAH11 gene. It is expected to disrupt RNA splicing. Variants that disrupt the donor or acceptor splice site typically lead to a loss of protein function (PMID: 16199547), and loss-of-function variants in DNAH11 are known to be pathogenic (PMID: 18022865, 20513915, 22184204). This variant is not present in population databases (gnomAD no frequency). This variant has not been reported in the literature in individuals affected with DNAH11-related conditions. In summary, the currently available evidence indicates that the variant is pathogenic, but additional data are needed to prove that conclusively. Therefore, this variant has been classified as Likely Pathogenic.

Literature cited by the submitters: PubMed 16199547; PubMed 18022865; PubMed 20513915; PubMed 22184204.

NM_001277115.2(DNAH11):c.6684-1G>A

Gene: DNAH11 (dynein axonemal heavy chain 11; plus strand). Cytogenetic location: 7p15.3.
Variant type: single nucleotide variant.
Coding change: c.6684-1G>A on transcript NM_001277115.2 (MANE Select); the canonical splice acceptor site of the intron before coding-DNA position 6684, G replaced by A.
Molecular consequence: splice acceptor variant.
Genome position (GRCh38, 1-based): chr7:21,710,552, G>A. VCF-style: chr7-21710552-G-A. GRCh37 (hg19) VCF-style: chr7-21750170-G-A.
Identifiers: ClinVar variation 4692728 (VCV004692728.1).